The following is an entry in ClinVar:

NM_025139.6(ARMC9):c.1551+7A>G

Gene: ARMC9 (armadillo repeat containing 9; plus strand). Cytogenetic location: 2q37.1.
Variant type: single nucleotide variant.
Coding change: c.1551+7A>G on transcript NM_025139.6; 7 bases into the intron after coding-DNA position 1551, A replaced by G.
Genome position (GRCh38, 1-based): chr2:231,278,465, A>G. VCF-style: chr2-231278465-A-G. GRCh37 (hg19) VCF-style: chr2-232143178-A-G.
Other names: c.1551+7A>G (NM_001271466.4, NM_001352754.2, NM_001352755.2 and 4 more transcripts); c.1452+7A>G (NM_001352757.2, NM_001352758.2).
Identifiers: ClinVar variation 773130 (VCV000773130.36), dbSNP rs146743949, ClinGen allele CA2160370.

ClinVar aggregate classification (germline): Benign/Likely benign. Review status: criteria provided, multiple submitters, no conflicts (2 of 4 stars). 5 submissions from 5 submitters: Benign (3); Likely benign (1). 1 of the submissions does not count toward it. Last evaluated 2026-09-01.

Conditions:
ARMC9-related disorder. Also called: ARMC9-related condition.

Allele frequency attached by ClinVar (database versions not stated): 1000 Genomes Project 0.00120; 1000 Genomes Project 30x 0.00125; TOPMed 0.00575; gnomAD exomes 0.00619 and 0.01017; gnomAD 0.00640 and 0.00655; ExAC 0.00653; ESP Exome Variant Server 0.00900.
gnomAD v4.1: 15,651 of 1,613,596 alleles (0.97%); highest among the groups gnomAD compares: Non-Finnish European, 1.2%; 104 homozygotes.

Submissions (5):

CeGaT Center for Human Genetics Tuebingen
Classification: Benign. Last evaluated: 2026-09-01. Review status: criteria provided, single submitter. Criteria: CeGaT Center For Human Genetics Tuebingen Variant Classification Criteria Version 2. Collection method: clinical testing. Allele origin: germline. Affected: yes. Observed: 19 variant alleles.
Comment: ARMC9: BP4, BS1, BS2

Labcorp Genetics (formerly Invitae), Labcorp
Classification: Benign. Last evaluated: 2026-02-02. Review status: criteria provided, single submitter. Criteria: Invitae Variant Classification Sherloc (09022015). Collection method: clinical testing. Allele origin: germline.

Blueprint Genetics
Classification: Likely benign. Last evaluated: 2024-11-26. Review status: criteria provided, single submitter. Criteria: ACMG Guidelines, 2015. Collection method: clinical testing. Allele origin: germline.

Breakthrough Genomics
Classification: Benign. Review status: criteria provided, single submitter. Criteria: ACMG Guidelines, 2015. Collection method: not provided. Allele origin: germline. Inheritance: Autosomal recessive inheritance. Affected: yes.

PreventionGenetics, part of Exact Sciences
Classification: Benign for ARMC9-related condition. Last evaluated: 2019-06-26. Review status: no assertion criteria provided. Collection method: clinical testing. Allele origin: germline. Not counted in ClinVar's aggregate classification.
Comment: This variant is classified as benign based on ACMG/AMP sequence variant interpretation guidelines (Richards et al. 2015 PMID: 25741868, with internal and published modifications).